The following is an entry in ClinVar:

ClinVar aggregate classification (germline): Uncertain significance. Review status: criteria provided, multiple submitters, no conflicts (2 of 4 stars). 3 submissions from 3 submitters: Uncertain significance (2). 1 of the submissions does not count toward it. Last evaluated 2025-09-30.

Conditions:
CSF2RB-related disorder. Also called: CSF2RB-related condition.
Inborn genetic diseases. Identifiers: MedGen C0950123, MeSH D030342.

Allele frequency attached by ClinVar (database versions not stated): gnomAD 0.00003; TOPMed 0.00005; gnomAD exomes 0.00007; ExAC 0.00010; 1000 Genomes Project 30x 0.00016; 1000 Genomes Project 0.00020.
gnomAD v4.1: 103 of 1,613,422 alleles (0.0064%); highest among the groups gnomAD compares: Middle Eastern, 0.099%; 1 homozygote.

Submissions (3):

Labcorp Genetics (formerly Invitae), Labcorp
Classification: Uncertain significance. Last evaluated: 2025-09-30. Review status: criteria provided, single submitter. Criteria: Invitae Variant Classification Sherloc (09022015). Collection method: clinical testing. Allele origin: germline.
Comment: This sequence change replaces threonine, which is neutral and polar, with alanine, which is neutral and non-polar, at codon 579 of the CSF2RB protein (p.Thr579Ala). This variant is present in population databases (rs558418043, gnomAD 0.06%). This variant has not been reported in the literature in individuals affected with CSF2RB-related conditions. ClinVar contains an entry for this variant (Variation ID: 2151156). Invitae Evidence Modeling of protein sequence and biophysical properties (such as structural, functional, and spatial information, amino acid conservation, physicochemical variation, residue mobility, and thermodynamic stability) indicates that this missense variant is not expected to disrupt CSF2RB protein function with a negative predictive value of 80%. In summary, the available evidence is currently insufficient to determine the role of this variant in disease. Therefore, it has been classified as a Variant of Uncertain Significance.

Ambry Genetics
Classification: Uncertain significance for Inborn genetic diseases. Last evaluated: 2025-06-18. Review status: criteria provided, single submitter. Criteria: Ambry Variant Classification Scheme 2023. Collection method: clinical testing. Allele origin: germline.

PreventionGenetics, part of Exact Sciences
Classification: Uncertain significance for CSF2RB-related condition. Last evaluated: 2024-04-05. Review status: no assertion criteria provided. Collection method: clinical testing. Allele origin: germline. Not counted in ClinVar's aggregate classification.
Comment: The CSF2RB c.1735A>G variant is predicted to result in the amino acid substitution p.Thr579Ala. To our knowledge, this variant has not been reported in the literature. This variant is reported in 0.070% of alleles in individuals of Ashkenazi Jewish descent in gnomAD. At this time, the clinical significance of this variant is uncertain due to the absence of conclusive functional and genetic evidence.

NM_000395.3(CSF2RB):c.1735A>G (p.Thr579Ala)

Gene: CSF2RB (colony stimulating factor 2 receptor subunit beta; plus strand). Cytogenetic location: 22q12.3.
Variant type: single nucleotide variant.
Coding change: c.1735A>G on transcript NM_000395.3 (MANE Select); coding-DNA position 1735, A replaced by G.
Protein change: p.Thr579Ala; replaces threonine 579 with alanine.
Molecular consequence: missense variant.
Genome position (GRCh38, 1-based): chr22:36,937,543, A>G. VCF-style: chr22-36937543-A-G. GRCh37 (hg19) VCF-style: chr22-37333585-A-G.
Other names: c.1753A>G, p.Thr585Ala (NM_001410827.1); c.1735A>G (NM_000395.2); short protein forms T579A, T585A.
Identifiers: ClinVar variation 2151156 (VCV002151156.8), dbSNP rs558418043, ClinGen allele CA10213970.
Genomic context (GRCh38, chr22:36,937,543, plus strand): 5'-TCAGATCTACCCACAGAGCAGCCCCCCAGCCCCCAGCCAGGCCCGCCTGCCGCCTCCCAC[A>G]CACCTGAGAAACAGGCTTCCAGCTTTGACTTCAATGGGCCCTACCTGGGGCCGCCCCACA-3'
Protein context (NP_000386.1, residues 569-589): PQPGPPAASH[Thr579Ala]PEKQASSFDF